The following is an entry in ClinVar:

ClinVar aggregate classification (germline): Conflicting classifications of pathogenicity. Review status: criteria provided, conflicting classifications (1 of 4 stars). 4 submissions from 4 submitters: Uncertain significance (2); Likely benign (2). Last evaluated 2026-04-27.

Conditions:
Koolen-de Vries syndrome (KDVS). Identifiers: Orphanet 96169, MedGen C1864871, MONDO:0012496, OMIM 610443.
Inborn genetic diseases. Identifiers: MedGen C0950123, MeSH D030342.

Allele frequency attached by ClinVar (database versions not stated): gnomAD 0.00008 and 0.00007; gnomAD exomes below 0.00001 and 0.00001; ExAC 0.00002; TOPMed 0.00006.
gnomAD v4.1: 17 of 1,614,096 alleles (0.0011%); highest among the groups gnomAD compares: African/African-American, 0.02%; no homozygotes.

Submissions (4):

Women's Health and Genetics/Laboratory Corporation of America, LabCorp
Classification: Uncertain significance. Last evaluated: 2026-04-27. Review status: criteria provided, single submitter. Criteria: LabCorp Variant Classification Summary - May 2015. Collection method: clinical testing. Allele origin: germline.
Comment: Variant summary: KANSL1 c.1180A>G (p.Ser394Gly) results in a non-conservative amino acid change in the encoded protein sequence. Algorithms developed to predict the effect of missense changes on protein structure and function are either unavailable or do not agree on the potential impact of this missense change. The variant allele was found at a frequency of 1.2e-05 in 251438 control chromosomes. The available data on variant occurrences in the general population are insufficient to allow any conclusion about variant significance. To our knowledge, no occurrence of c.1180A>G in individuals affected with KANSL1-related conditions and no experimental evidence demonstrating its impact on protein function have been reported. ClinVar contains an entry for this variant (Variation ID: 1022749). Based on the evidence outlined above, the variant was classified as uncertain significance.

Ambry Genetics
Classification: Likely benign for Inborn genetic diseases. Last evaluated: 2025-06-12. Review status: criteria provided, single submitter. Criteria: Ambry Variant Classification Scheme 2023. Collection method: clinical testing. Allele origin: germline.

Labcorp Genetics (formerly Invitae), Labcorp
Classification: Uncertain significance for Koolen-de Vries syndrome. Last evaluated: 2021-09-17. Review status: criteria provided, single submitter. Criteria: Invitae Variant Classification Sherloc (09022015). Collection method: clinical testing. Allele origin: germline.

GeneDx
Classification: Likely benign. Last evaluated: 2020-12-24. Review status: criteria provided, single submitter. Criteria: GeneDx Variant Classification Process June 2021. Collection method: clinical testing. Allele origin: germline. Affected: yes.

NM_015443.4(KANSL1):c.1180A>G (p.Ser394Gly)

Gene: KANSL1 (KAT8 regulatory NSL complex subunit 1). Cytogenetic location: 17q21.31.
Variant type: single nucleotide variant.
Coding change: c.1180A>G on transcript NM_015443.4 (MANE Select); coding-DNA position 1180, A replaced by G.
Protein change: p.Ser394Gly; replaces serine 394 with glycine.
Molecular consequence: missense variant.
Genome position (GRCh38, 1-based): chr17:46,170,964, T>C on the plus strand (A>G on the coding strand, the complement: KANSL1 is on the minus strand). VCF-style: chr17-46170964-T-C. GRCh37 (hg19) VCF-style: chr17-44248330-T-C.
Other names: c.1180A>G, p.Ser394Gly (NM_001193465.2, NM_001193466.2, NM_001379198.1); short protein forms S394G.
Identifiers: ClinVar variation 1022749 (VCV001022749.9), dbSNP rs751709708, ClinGen allele CA8618880.